The following is an entry in ClinVar:

ClinVar aggregate classification (germline): Uncertain significance (1 of 4 stars; one submission).

Allele frequency attached by ClinVar (database versions not stated): gnomAD 0.00001; TOPMed 0.00001.

Submission:

Labcorp Genetics (formerly Invitae), Labcorp
Classification: Uncertain significance. Last evaluated: 2023-09-08. Review status: criteria provided, single submitter. Criteria: Invitae Variant Classification Sherloc (09022015). Collection method: clinical testing. Allele origin: germline.
Comment: This variant has not been reported in the literature in individuals affected with IRF2BP2-related conditions. In summary, the available evidence is currently insufficient to determine the role of this variant in disease. Therefore, it has been classified as a Variant of Uncertain Significance. Algorithms developed to predict the effect of missense changes on protein structure and function output the following: SIFT: "Not Available"; PolyPhen-2: "Benign"; Align-GVGD: "Not Available". The threonine amino acid residue is found in multiple mammalian species, which suggests that this missense change does not adversely affect protein function. ClinVar contains an entry for this variant (Variation ID: 1493131). This variant is not present in population databases (gnomAD no frequency). This sequence change replaces alanine, which is neutral and non-polar, with threonine, which is neutral and polar, at codon 80 of the IRF2BP2 protein (p.Ala80Thr).

NM_182972.3(IRF2BP2):c.238G>A (p.Ala80Thr)

Genes: IRF2BP2 (interferon regulatory factor 2 binding protein 2; minus strand), LOC129932812 (ATAC-STARR-seq lymphoblastoid silent region 1977; plus strand). Cytogenetic location: 1q42.3.
Variant type: single nucleotide variant.
Coding change: c.238G>A on transcript NM_182972.3 (MANE Select); coding-DNA position 238, G replaced by A.
Protein change: p.Ala80Thr; replaces alanine 80 with threonine.
Molecular consequence: missense variant.
Genome position (GRCh38, 1-based): chr1:234,609,257, C>T on the plus strand (G>A on the coding strand, the complement: IRF2BP2 is on the minus strand). VCF-style: chr1-234609257-C-T. GRCh37 (hg19) VCF-style: chr1-234745003-C-T.
Other names: c.238G>A, p.Ala80Thr (NM_001077397.1); short protein forms A80T.
Identifiers: ClinVar variation 1493131 (VCV001493131.6), dbSNP rs778290215, ClinGen allele CA345311495.
Genomic context (GRCh38, chr1:234,609,257, plus strand): 5'-CAAGCTGCTGCTGCTGCTGCAAAAGGATGTCCTTGGCGGAGAGCGGCGGCGGCTTGGCGG[C>T]GGCCGAGGCCGCGGCGCCGGGTGGGGAGCGACCCTCCGGGAAGCAGCCGTGCGCCCGCTT-3'
Protein context (NP_892017.2, residues 70-90): RSPPGAAASA[Ala80Thr]AKPPPLSAKD